The following is an entry in ClinVar:

NM_004586.3(RPS6KA3):c.1564A>G (p.Thr522Ala)

Gene: RPS6KA3 (ribosomal protein S6 kinase A3; minus strand). Cytogenetic location: Xp22.12.
Variant type: single nucleotide variant.
Coding change: c.1564A>G on transcript NM_004586.3 (MANE Select); coding-DNA position 1564, A replaced by G.
Protein change: p.Thr522Ala; replaces threonine 522 with alanine.
Molecular consequence: missense variant.
Genome position (GRCh38, 1-based): chrX:20,167,627, T>C on the plus strand (A>G on the coding strand, the complement: RPS6KA3 is on the minus strand). VCF-style: chrX-20167627-T-C. GRCh37 (hg19) VCF-style: chrX-20185745-T-C.
Other names: c.1480A>G, p.Thr494Ala (NM_001438340.1); short protein forms T494A, T522A.
Identifiers: ClinVar variation 4995742 (VCV004995742.1).

ClinVar aggregate classification (germline): Uncertain significance (1 of 4 stars; one submission).

Conditions:
RPS6KA3-related disorder. Also called: RPS6KA3-related condition.

Submission:

PreventionGenetics, part of Exact Sciences
Classification: Uncertain significance for RPS6KA3-related condition. Last evaluated: 2025-11-19. Review status: criteria provided, single submitter. Criteria: ACMG Guidelines, 2015. Collection method: clinical testing. Allele origin: germline.
Comment: The RPS6KA3 c.1564A>G variant is predicted to result in the amino acid substitution p.Thr522Ala. To our knowledge, this variant has not been reported in the literature or in a large population database (gnomAD), indicating this variant is rare. At this time, the clinical significance of this variant is uncertain due to the absence of conclusive functional and genetic evidence.